The following is an entry in ClinVar:

ClinVar aggregate classification (germline): Uncertain significance. Review status: criteria provided, multiple submitters, no conflicts (2 of 4 stars). 2 submissions from 2 submitters: Uncertain significance (2). Last evaluated 2025-11-24.

Conditions:
Hereditary cancer-predisposing syndrome. Also called: Hereditary neoplastic syndrome; Neoplastic Syndromes, Hereditary; Hereditary Cancer Syndrome; Tumor predisposition. Identifiers: Orphanet 140162, MedGen C0027672, MeSH D009386, MONDO:0015356.
Gastrointestinal stromal tumor. Also called: Gastrointestinal stromal tumor, somatic; Gastrointestinal stroma tumor. Identifiers: Orphanet 44890, MedGen C0238198, MeSH D046152, MONDO:0011719, OMIM 606764, HP:0100723.

Allele frequency attached by ClinVar (database versions not stated): gnomAD 0.00001.

Submissions (2):

Ambry Genetics
Classification: Uncertain significance for Hereditary cancer-predisposing syndrome. Last evaluated: 2025-11-24. Review status: criteria provided, single submitter. Criteria: Ambry Variant Classification Scheme 2023. Collection method: clinical testing. Allele origin: germline.
Comment: The p.N179Y variant (also known as c.535A>T), located in coding exon 3 of the PDGFRA gene, results from an A to T substitution at nucleotide position 535. The asparagine at codon 179 is replaced by tyrosine, an amino acid with dissimilar properties. This amino acid position is conserved. In addition, this alteration is predicted to be tolerated by in silico analysis. Since supporting evidence is limited at this time, the clinical significance of this alteration remains unclear.

Labcorp Genetics (formerly Invitae), Labcorp
Classification: Uncertain significance for Gastrointestinal stromal tumor. Last evaluated: 2023-11-02. Review status: criteria provided, single submitter. Criteria: Invitae Variant Classification Sherloc (09022015). Collection method: clinical testing. Allele origin: germline.
Comment: This sequence change replaces asparagine, which is neutral and polar, with tyrosine, which is neutral and polar, at codon 179 of the PDGFRA protein (p.Asn179Tyr). This variant is not present in population databases (gnomAD no frequency). This variant has not been reported in the literature in individuals affected with PDGFRA-related conditions. ClinVar contains an entry for this variant (Variation ID: 945888). Advanced modeling of protein sequence and biophysical properties (such as structural, functional, and spatial information, amino acid conservation, physicochemical variation, residue mobility, and thermodynamic stability) performed at Invitae indicates that this missense variant is not expected to disrupt PDGFRA protein function with a negative predictive value of 80%. In summary, the available evidence is currently insufficient to determine the role of this variant in disease. Therefore, it has been classified as a Variant of Uncertain Significance.

NM_006206.6(PDGFRA):c.535A>T (p.Asn179Tyr)

Gene: PDGFRA (platelet derived growth factor receptor alpha; plus strand). Cytogenetic location: 4q12.
Variant type: single nucleotide variant.
Coding change: c.535A>T on transcript NM_006206.6 (MANE Select); coding-DNA position 535, A replaced by T.
Protein change: p.Asn179Tyr; replaces asparagine 179 with tyrosine.
Molecular consequence: missense variant.
Genome position (GRCh38, 1-based): chr4:54,263,834, A>T. VCF-style: chr4-54263834-A-T. GRCh37 (hg19) VCF-style: chr4-55130001-A-T.
Other names: c.535A>T, p.Asn179Tyr (NM_001347827.2, NM_001347829.2); c.610A>T, p.Asn204Tyr (NM_001347828.2); c.574A>T, p.Asn192Tyr (NM_001347830.2); short protein forms N192Y, N204Y, N179Y.
Identifiers: ClinVar variation 945888 (VCV000945888.12), dbSNP rs1722887627, ClinGen allele CA356890033.